The following is an entry in ClinVar:

NM_004706.4(ARHGEF1):c.1726G>A (p.Gly576Arg)

Gene: ARHGEF1 (Rho guanine nucleotide exchange factor 1; plus strand). Cytogenetic location: 19q13.2.
Variant type: single nucleotide variant.
Coding change: c.1726G>A on transcript NM_004706.4 (MANE Select); coding-DNA position 1726, G replaced by A.
Protein change: p.Gly576Arg; replaces glycine 576 with arginine.
Molecular consequence: missense variant.
Genome position (GRCh38, 1-based): chr19:41,902,886, G>A. VCF-style: chr19-41902886-G-A. GRCh37 (hg19) VCF-style: chr19-42407036-G-A.
Other names: c.1771G>A (NM_199002.1); c.1627G>A, p.Gly543Arg (NM_198977.2); c.1771G>A, p.Gly591Arg (NM_199002.2); short protein forms G591R, G576R, G543R.
Identifiers: ClinVar variation 1463791 (VCV001463791.10), dbSNP rs782335508, ClinGen allele CA9466444.

ClinVar aggregate classification (germline): Uncertain significance. Review status: criteria provided, multiple submitters, no conflicts (2 of 4 stars). 3 submissions from 3 submitters: Uncertain significance (3). Last evaluated 2024-11-19.

Allele frequency attached by ClinVar (database versions not stated): ExAC 0.00001; gnomAD 0.00001; gnomAD exomes 0.00001; TOPMed 0.00006.
gnomAD v4.1: 8 of 1,608,208 alleles (0.0005%); highest among the groups gnomAD compares: Admixed American, 0.0051%; no homozygotes.

Submissions (3):

Blueprint Genetics
Classification: Uncertain significance. Last evaluated: 2024-11-19. Review status: criteria provided, single submitter. Criteria: ACMG Guidelines, 2015. Collection method: clinical testing. Allele origin: germline.

Labcorp Genetics (formerly Invitae), Labcorp
Classification: Uncertain significance. Last evaluated: 2024-03-01. Review status: criteria provided, single submitter. Criteria: Invitae Variant Classification Sherloc (09022015). Collection method: clinical testing. Allele origin: germline.
Comment: This sequence change replaces glycine, which is neutral and non-polar, with arginine, which is basic and polar, at codon 591 of the ARHGEF1 protein (p.Gly591Arg). This variant is present in population databases (rs782335508, gnomAD 0.009%). This variant has not been reported in the literature in individuals affected with ARHGEF1-related conditions. ClinVar contains an entry for this variant (Variation ID: 1463791). An algorithm developed to predict the effect of missense changes on protein structure and function (PolyPhen-2) suggests that this variant is likely to be disruptive. In summary, the available evidence is currently insufficient to determine the role of this variant in disease. Therefore, it has been classified as a Variant of Uncertain Significance.

Ambry Genetics
Classification: Uncertain significance. Last evaluated: 2021-10-06. Review status: criteria provided, single submitter. Criteria: Ambry Variant Classification Scheme 2023. Collection method: clinical testing. Allele origin: germline.